The following is an entry in ClinVar:

NM_004304.5(ALK):c.1714A>T (p.Lys572Ter)

Gene: ALK (ALK receptor tyrosine kinase; minus strand). Cytogenetic location: 2p23.2.
Variant type: single nucleotide variant.
Coding change: c.1714A>T on transcript NM_004304.5 (MANE Select); coding-DNA position 1714, A replaced by T.
Protein change: p.Lys572Ter; replaces lysine 572 with a stop codon.
Molecular consequence: nonsense.
Genome position (GRCh38, 1-based): chr2:29,296,991, T>A on the plus strand (A>T on the coding strand, the complement: ALK is on the minus strand). VCF-style: chr2-29296991-T-A. GRCh37 (hg19) VCF-style: chr2-29519857-T-A.
Other names: short protein forms K572*.
Identifiers: ClinVar variation 1466801 (VCV001466801.6), dbSNP rs2148231179, ClinGen allele CA346466381.

ClinVar aggregate classification (germline): Uncertain significance (1 of 4 stars; one submission).

Conditions:
Neuroblastoma, susceptibility to, 3. Also called: ALK-Related Neuroblastic Tumor Susceptibility. Identifiers: Orphanet 635, MedGen C2751681, MONDO:0013083, OMIM 613014.

Submission:

Labcorp Genetics (formerly Invitae), Labcorp
Classification: Uncertain significance for Neuroblastoma, susceptibility to, 3. Last evaluated: 2021-08-05. Review status: criteria provided, single submitter. Criteria: Invitae Variant Classification Sherloc (09022015). Collection method: clinical testing. Allele origin: germline.
Comment: This sequence change creates a premature translational stop signal (p.Lys572*) in the ALK gene. It is expected to result in an absent or disrupted protein product. However, the current clinical and genetic evidence is not sufficient to establish whether loss-of-function variants in ALK cause disease. In summary, the available evidence is currently insufficient to determine the role of this variant in disease. Therefore, it has been classified as a Variant of Uncertain Significance. This variant has not been reported in the literature in individuals with ALK-related conditions. This variant is not present in population databases (ExAC no frequency).